The following is an entry in ClinVar:

ClinVar aggregate classification (germline): Uncertain significance. Review status: criteria provided, single submitter (1 of 4 stars). 2 submissions from 2 submitters: Uncertain significance (1). 1 of the submissions does not count toward it. Last evaluated 2021-09-17.

Conditions:
Lysinuric protein intolerance (LPI). Identifiers: Orphanet 470, MedGen C0268647, MONDO:0009109, OMIM 222700.

Allele frequency attached by ClinVar (database versions not stated): gnomAD exomes below 0.00001.
gnomAD v4.1: 2 of 1,614,172 alleles (0.00012%); highest among the groups gnomAD compares: Non-Finnish European, 0.00017%; no homozygotes.

Submissions (2):

Labcorp Genetics (formerly Invitae), Labcorp
Classification: Uncertain significance for Lysinuric protein intolerance. Last evaluated: 2021-09-17. Review status: criteria provided, single submitter. Criteria: Invitae Variant Classification Sherloc (09022015). Collection method: clinical testing. Allele origin: germline.
Comment: This sequence change replaces asparagine with histidine at codon 254 of the SLC7A7 protein (p.Asn254His). The asparagine residue is highly conserved and there is a small physicochemical difference between asparagine and histidine. This variant is not present in population databases (ExAC no frequency). This variant has not been reported in the literature in individuals with SLC7A7-related conditions. Algorithms developed to predict the effect of missense changes on protein structure and function are either unavailable or do not agree on the potential impact of this missense change (SIFT: "Deleterious"; PolyPhen-2: "Benign"; Align-GVGD: "Class C25"). In summary, the available evidence is currently insufficient to determine the role of this variant in disease. Therefore, it has been classified as a Variant of Uncertain Significance.

Natera, Inc.
Classification: Uncertain significance for Lysinuric protein intolerance. Last evaluated: 2020-04-17. Review status: no assertion criteria provided. Collection method: clinical testing. Allele origin: germline. Not counted in ClinVar's aggregate classification.

NM_003982.4(SLC7A7):c.760A>C (p.Asn254His)

Gene: SLC7A7 (solute carrier family 7 member 7; minus strand). Cytogenetic location: 14q11.2.
Variant type: single nucleotide variant.
Coding change: c.760A>C on transcript NM_003982.4 (MANE Select); coding-DNA position 760, A replaced by C.
Protein change: p.Asn254His; replaces asparagine 254 with histidine.
Molecular consequence: missense variant.
Genome position (GRCh38, 1-based): chr14:22,778,803, T>G on the plus strand (A>C on the coding strand, the complement: SLC7A7 is on the minus strand). VCF-style: chr14-22778803-T-G. GRCh37 (hg19) VCF-style: chr14-23248012-T-G.
Other names: c.760A>C, p.Asn254His (NM_001126105.3, NM_001126106.4); short protein forms N254H.
Identifiers: ClinVar variation 991471 (VCV000991471.6), dbSNP rs2038663013, ClinGen allele CA388923891.
Genomic context (GRCh38, chr14:22,778,803, plus strand): 5'-ATTAAATGATGGCTATCACTGCTATGGAAAGTTGGTGGTGCAGTACCTACCTCTCAGGAT[T>G]CTTGATCTCTTCAGTGACATAGTTGAGGGTGTCCCAGCCTGAGTAGGAGAACAGAGCTGA-3'
Protein context (NP_003973.3, residues 244-264): TLNYVTEEIK[Asn254His]PERNLPLSIG